The following is an entry in ClinVar:

ClinVar aggregate classification (germline): Uncertain significance (1 of 4 stars; one submission).

Conditions:
Predisposition to invasive fungal disease due to CARD9 deficiency (IMD103). Also called: Candidiasis, familial, 2, autosomal recessive; CARD9 IMMUNODEFICIENCY; IMMUNODEFICIENCY 103, SUSCEPTIBILITY TO FUNGAL INFECTIONS. Identifiers: Orphanet 457088, MedGen C1859353, MONDO:0008905, OMIM 212050.

Allele frequency attached by ClinVar (database versions not stated): TOPMed 0.00003; gnomAD 0.00004.
gnomAD v4.1: 41 of 1,611,902 alleles (0.0025%); highest among the groups gnomAD compares: East Asian, 0.0045%; no homozygotes.

Submission:

Labcorp Genetics (formerly Invitae), Labcorp
Classification: Uncertain significance for Predisposition to invasive fungal disease due to CARD9 deficiency. Last evaluated: 2022-07-25. Review status: criteria provided, single submitter. Criteria: Invitae Variant Classification Sherloc (09022015). Collection method: clinical testing. Allele origin: germline.
Comment: This sequence change replaces arginine, which is basic and polar, with glutamine, which is neutral and polar, at codon 148 of the CARD9 protein (p.Arg148Gln). The frequency data for this variant in the population databases is considered unreliable, as metrics indicate poor data quality at this position in the gnomAD database. This variant has not been reported in the literature in individuals affected with CARD9-related conditions. ClinVar contains an entry for this variant (Variation ID: 665585). Algorithms developed to predict the effect of missense changes on protein structure and function (SIFT, PolyPhen-2, Align-GVGD) all suggest that this variant is likely to be tolerated. In summary, the available evidence is currently insufficient to determine the role of this variant in disease. Therefore, it has been classified as a Variant of Uncertain Significance.

NM_052813.5(CARD9):c.443G>A (p.Arg148Gln)

Gene: CARD9 (caspase recruitment domain family member 9; minus strand). Cytogenetic location: 9q34.3.
Variant type: single nucleotide variant.
Coding change: c.443G>A on transcript NM_052813.5 (MANE Select); coding-DNA position 443, G replaced by A.
Protein change: p.Arg148Gln; replaces arginine 148 with glutamine.
Molecular consequence: missense variant.
Genome position (GRCh38, 1-based): chr9:136,371,025, C>T on the plus strand (G>A on the coding strand, the complement: CARD9 is on the minus strand). VCF-style: chr9-136371025-C-T. GRCh37 (hg19) VCF-style: chr9-139265477-C-T.
Other names: c.443G>A, p.Arg148Gln (NM_052814.4); short protein forms R148Q.
Identifiers: ClinVar variation 665585 (VCV000665585.8), dbSNP rs757627986, ClinGen allele CA5333134.